The following is an entry in ClinVar:

ClinVar aggregate classification (germline): Uncertain significance (1 of 4 stars; one submission).

Allele frequency attached by ClinVar (database versions not stated): gnomAD exomes below 0.00001; gnomAD 0.00001.
gnomAD v4.1: 2 of 1,614,100 alleles (0.00012%); highest among the groups gnomAD compares: Admixed American, 0.0017%; no homozygotes.

Submission:

Greenwood Genetic Center Diagnostic Laboratories, Greenwood Genetic Center
Classification: Uncertain significance. Last evaluated: 2023-06-29. Review status: criteria provided, single submitter. Criteria: ACMG Guidelines, 2015. Collection method: clinical testing. Allele origin: germline. Affected: yes.
Comment: PM2

NM_014023.4(WDR37):c.1139A>G (p.Asn380Ser)

Gene: WDR37 (WD repeat domain 37; plus strand). Cytogenetic location: 10p15.3.
Variant type: single nucleotide variant.
Coding change: c.1139A>G on transcript NM_014023.4 (MANE Select); coding-DNA position 1139, A replaced by G.
Protein change: p.Asn380Ser; replaces asparagine 380 with serine.
Molecular consequence: missense variant.
Genome position (GRCh38, 1-based): chr10:1,124,253, A>G. VCF-style: chr10-1124253-A-G. GRCh37 (hg19) VCF-style: chr10-1170193-A-G.
Other names: short protein forms N380S.
Identifiers: ClinVar variation 2572309 (VCV002572309.1), dbSNP rs959704040, ClinGen allele CA201244235.